The following is an entry in ClinVar:

NM_001007527.2(LMBRD2):c.1282T>C (p.Tyr428His)

Gene: LMBRD2 (LMBR1 domain containing 2; minus strand). Cytogenetic location: 5p13.2.
Variant type: single nucleotide variant.
Coding change: c.1282T>C on transcript NM_001007527.2 (MANE Select); coding-DNA position 1282, T replaced by C.
Protein change: p.Tyr428His; replaces tyrosine 428 with histidine.
Molecular consequence: missense variant.
Genome position (GRCh38, 1-based): chr5:36,117,755, A>G on the plus strand (T>C on the coding strand, the complement: LMBRD2 is on the minus strand). VCF-style: chr5-36117755-A-G. GRCh37 (hg19) VCF-style: chr5-36117857-A-G.
Other names: short protein forms Y428H.
Identifiers: ClinVar variation 2632687 (VCV002632687.2), dbSNP rs1232441441, ClinGen allele CA359445190.

ClinVar aggregate classification (germline): Uncertain significance. Review status: criteria provided, multiple submitters, no conflicts (2 of 4 stars). 2 submissions from 2 submitters: Uncertain significance (2). Last evaluated 2026-02-11.

Conditions:
LMBRD2-related disorder.

Allele frequency attached by ClinVar (database versions not stated): gnomAD exomes below 0.00001; TOPMed below 0.00001; gnomAD 0.00001.

Submissions (2):

Women's Health and Genetics/Laboratory Corporation of America, LabCorp
Classification: Uncertain significance. Last evaluated: 2026-02-11. Review status: criteria provided, single submitter. Criteria: LabCorp Variant Classification Summary - May 2015. Collection method: clinical testing. Allele origin: germline.
Comment: Variant summary: LMBRD2 c.1282T>C (p.Tyr428His) results in a conservative amino acid change in the encoded protein sequence. Algorithms developed to predict the effect of missense changes on protein structure and function are either unavailable or do not agree on the potential impact of this missense change. The variant was absent in 244270 control chromosomes. The available data on variant occurrences in the general population are insufficient to allow any conclusion about variant significance. To our knowledge, no occurrence of c.1282T>C in individuals affected with LMBRD2-related conditions and no experimental evidence demonstrating its impact on protein function have been reported. ClinVar contains an entry for this variant (Variation ID: 2632687). Based on the evidence outlined above, the variant was classified as uncertain significance.

PreventionGenetics, part of Exact Sciences
Classification: Uncertain significance for LMBRD2-related condition. Last evaluated: 2023-07-04. Review status: criteria provided, single submitter. Criteria: ACMG Guidelines, 2015. Collection method: clinical testing. Allele origin: germline.
Comment: The LMBRD2 c.1282T>C variant is predicted to result in the amino acid substitution p.Tyr428His. To our knowledge, this variant has not been reported in the literature. This variant is reported in 0.011% of alleles in individuals of African descent in gnomAD. At this time, the clinical significance of this variant is uncertain due to the absence of conclusive functional and genetic evidence.